The following is an entry in ClinVar:

NM_000257.4(MYH7):c.336G>A (p.Trp112Ter)

Gene: MYH7 (myosin heavy chain 7; minus strand). Cytogenetic location: 14q11.2.
Variant type: single nucleotide variant.
Coding change: c.336G>A on transcript NM_000257.4 (MANE Select); coding-DNA position 336, G replaced by A.
Protein change: p.Trp112Ter; replaces tryptophan 112 with a stop codon.
Molecular consequence: nonsense.
Genome position (GRCh38, 1-based): chr14:23,433,093, C>T on the plus strand (G>A on the coding strand, the complement: MYH7 is on the minus strand). VCF-style: chr14-23433093-C-T. GRCh37 (hg19) VCF-style: chr14-23902302-C-T.
Other names: short protein forms W112*.
Identifiers: ClinVar variation 1515912 (VCV001515912.5), dbSNP rs1431719401, ClinGen allele CA389053048.
Genomic context (GRCh38, chr14:23,433,093, plus strand): 5'-TGGATGGAGCAAGAACAGAGATCCCAACGTAGGGCCAGGTGCAGCACTCACGTAGATCAT[C>T]CAGGAGCCGTAGCGATCCTTGAGGTTGTAGAGCACCGCGGGCTCATGCAGGAAGGTCAGC-3'

ClinVar aggregate classification (germline): Uncertain significance (1 of 4 stars; one submission).

Conditions:
Hypertrophic cardiomyopathy. Also called: HYPERTROPHIC MYOCARDIOPATHY. Identifiers: Orphanet 217569, MedGen C0007194, MeSH D002312, MONDO:0005045, HP:0001639.

Allele frequency attached by ClinVar (database versions not stated): gnomAD exomes below 0.00001 and 0.00001.
gnomAD v4.1: 4 of 1,614,110 alleles (0.00025%); highest among the groups gnomAD compares: South Asian, 0.0044%; no homozygotes.

Submission:

Labcorp Genetics (formerly Invitae), Labcorp
Classification: Uncertain significance for Hypertrophic cardiomyopathy. Last evaluated: 2024-08-14. Review status: criteria provided, single submitter. Criteria: Invitae Variant Classification Sherloc (09022015). Collection method: clinical testing. Allele origin: germline.
Comment: This sequence change creates a premature translational stop signal (p.Trp112*) in the MYH7 gene. It is expected to result in an absent or disrupted protein product. However, the current clinical and genetic evidence is not sufficient to establish whether loss-of-function variants in MYH7 cause disease. This variant is present in population databases (no rsID available, gnomAD 0.003%). This variant has not been reported in the literature in individuals affected with MYH7-related conditions. ClinVar contains an entry for this variant (Variation ID: 1515912). In summary, the available evidence is currently insufficient to determine the role of this variant in disease. Therefore, it has been classified as a Variant of Uncertain Significance.